The following is an entry in ClinVar:

NM_012064.4(MIP):c.616_632del (p.Val206fs)

Gene: MIP (major intrinsic protein of lens fiber; minus strand). Cytogenetic location: 12q13.3.
Variant type: Deletion.
Coding change: c.616_632del on transcript NM_012064.4 (MANE Select); coding-DNA positions 616 to 632, 17 bases deleted (GTAGGCCCAATCATTGG).
Protein change: p.Val206fs; shifts the reading frame from valine 206.
Molecular consequence: frameshift variant.
Genome position (GRCh38, 1-based): chr12:56,451,440-56,451,456, CCAATGATTGGGCCTAC deleted on the plus strand (GTAGGCCCAATCATTGG on the coding strand, the reverse complement: MIP is on the minus strand); deleting any 17 consecutive bases within chr12:56,451,440-56,451,459 gives the same sequence; the c. name uses the placement nearest the transcript's 3' end. VCF-style (leftmost placement, unchanged base first): chr12-56451439-TCCAATGATTGGGCCTAC-T. GRCh37 (hg19) VCF-style: chr12-56845223-TCCAATGATTGGGCCTAC-T.
Other names: short protein forms V206fs.
Identifiers: ClinVar variation 1806189 (VCV001806189.1), dbSNP rs2547312066, ClinGen allele CA1139771253.

ClinVar aggregate classification (germline): Pathogenic (1 of 4 stars; one submission).

Conditions:
Cataract 15 multiple types. Also called: CATARACT 15, LAMELLAR WITH SUTURAL OPACITIES. Identifiers: Orphanet 91492, MedGen C3809001, MONDO:0014110, OMIM 615274.

Submission:

Victorian Clinical Genetics Services, Murdoch Childrens Research Institute
Classification: Pathogenic for Cataract 15 multiple types. Last evaluated: 2021-05-06. Review status: criteria provided, single submitter. Criteria: ACMG Guidelines, 2015. Collection method: clinical testing. Allele origin: germline. Inheritance: Autosomal dominant inheritance. Affected: yes.
Comment: Based on the classification scheme VCGS_Germline_v1.3.4, this variant is classified as Pathogenic. Following criteria are met: 0104 - Dominant negative is a known mechanism of disease in this gene and is associated with cataract 15, multiple types (MIM#615274). Loss of function has also been suggested in this gene associated with the same phenotype (PMID: 29695758, PMID: 25803033). (I) 0107 - This gene is associated with autosomal dominant disease. (I) 0205 - Variant is predicted to result in a truncated protein (premature termination codon is NOT located at least 54 nucleotides upstream of the final exon-exon junction) with less than 1/3 of the protein sequence affected. (SP) 0251 - This variant is heterozygous. (I) 0301 - Variant is absent from gnomAD (both v2 and v3). (SP) 0600 - Variant results in loss of the C-terminal region which is important for protein transport from the cytoplasm to the plasma membrane (PMID: 29695758, PMID: 25803033). (I) 0701 - Other truncating variants comparable to the one identified in this case have very strong previous evidence for pathogenicity. Multiple nonsense and frameshift variants downstream of this variant have been reported in individuals with cataracts (ClinVar,PMID: 29695758, PMID: 25803033). (SP) 0807 - This variant has no previous evidence of pathogenicity. (I) 0905 - No published segregation evidence has been identified for this variant. (I) 1007 - No published functional evidence has been identified for this variant. (I) 1208 - Inheritance information for this variant is not currently available in this individual. (I) Legend: (SP) - Supporting pathogenic, (I) - Information, (SB) - Supporting benign

Literature cited by the submitters: PubMed 25803033; PubMed 29695758.